The following is an entry in ClinVar:

ClinVar aggregate classification (germline): Uncertain significance. Review status: criteria provided, multiple submitters, no conflicts (2 of 4 stars). 4 submissions from 4 submitters: Uncertain significance (4). Last evaluated 2024-05-02.

Conditions:
Hereditary cancer-predisposing syndrome. Also called: Tumor predisposition; Hereditary Cancer Syndrome; Neoplastic Syndromes, Hereditary; Hereditary neoplastic syndrome. Identifiers: Orphanet 140162, MedGen C0027672, MeSH D009386, MONDO:0015356.
Familial cancer of breast. Also called: hereditary breast carcinoma; Hereditary breast cancer; BREAST CANCER, FAMILIAL. Identifiers: Orphanet 227535, MedGen C0346153, MONDO:0016419, OMIM 114480. Disease mechanism: loss of function.

Allele frequency attached by ClinVar (database versions not stated): TOPMed below 0.00001.
gnomAD v4.1: 1 of 1,588,276 alleles (0.000063%); no homozygotes.

Submissions (4):

Ambry Genetics
Classification: Uncertain significance for Hereditary cancer-predisposing syndrome. Last evaluated: 2024-05-02. Review status: criteria provided, single submitter. Criteria: Ambry Variant Classification Scheme 2023. Collection method: clinical testing. Allele origin: germline.
Comment: The p.R15S variant (also known as c.43C>A), located in coding exon 1 of the BARD1 gene, results from a C to A substitution at nucleotide position 43. The arginine at codon 15 is replaced by serine, an amino acid with dissimilar properties. This variant was not reported in population based cohorts in the following databases: Database of Single Nucleotide Polymorphisms (dbSNP), NHLBI Exome Sequencing Project (ESP), and 1000 Genomes Project. In the ESP, this variant was not observed in 6058 samples (12116 alleles) with coverage at this position. To date, this alteration has been detected with an allele frequency of approximately 0.001% (greater than 175000 alleles tested) in our clinical cohort. This amino acid position is well conserved in available vertebrate species. In addition, this alteration is predicted to be tolerated by in silico analysis. Since supporting evidence is limited at this time, the clinical significance of this alteration remains unclear.

Color Diagnostics, LLC DBA Color Health
Classification: Uncertain significance for Hereditary cancer-predisposing syndrome. Last evaluated: 2024-03-06. Review status: criteria provided, single submitter. Criteria: ACMG Guidelines, 2015. Collection method: clinical testing. Allele origin: germline.
Comment: This missense variant replaces arginine with serine at codon 15 of the BARD1 protein. Computational prediction suggests that this variant may not impact protein structure and function (internally defined REVEL score threshold <= 0.5, PMID: 27666373). To our knowledge, functional studies have not been reported for this variant. This variant has not been reported in individuals affected with hereditary cancer in the literature. This variant has not been identified in the general population by the Genome Aggregation Database (gnomAD). The available evidence is insufficient to determine the role of this variant in disease conclusively. Therefore, this variant is classified as a Variant of Uncertain Significance.

Blueprint Genetics
Classification: Uncertain significance. Last evaluated: 2023-02-06. Review status: criteria provided, single submitter. Criteria: ACMG Guidelines, 2015. Collection method: clinical testing. Allele origin: germline.

Labcorp Genetics (formerly Invitae), Labcorp
Classification: Uncertain significance for Familial cancer of breast. Last evaluated: 2021-02-17. Review status: criteria provided, single submitter. Criteria: Invitae Variant Classification Sherloc (09022015). Collection method: clinical testing. Allele origin: germline.
Comment: This variant has not been reported in the literature in individuals with BARD1-related conditions. ClinVar contains an entry for this variant (Variation ID: 482794). Algorithms developed to predict the effect of missense changes on protein structure and function (SIFT, PolyPhen-2, Align-GVGD) all suggest that this variant is likely to be tolerated, but these predictions have not been confirmed by published functional studies and their clinical significance is uncertain. In summary, the available evidence is currently insufficient to determine the role of this variant in disease. Therefore, it has been classified as a Variant of Uncertain Significance. This variant is not present in population databases (ExAC no frequency). This sequence change replaces arginine with serine at codon 15 of the BARD1 protein (p.Arg15Ser). The arginine residue is moderately conserved and there is a moderate physicochemical difference between arginine and serine.

NM_000465.4(BARD1):c.43C>A (p.Arg15Ser)

Gene: BARD1 (BRCA1 associated RING domain 1; minus strand). Cytogenetic location: 2q35.
Variant type: single nucleotide variant.
Coding change: c.43C>A on transcript NM_000465.4 (MANE Select); coding-DNA position 43, C replaced by A.
Protein change: p.Arg15Ser; replaces arginine 15 with serine.
Molecular consequence: missense variant. On other transcripts: non-coding transcript variant (3).
Genome position (GRCh38, 1-based): chr2:214,809,527, G>T on the plus strand (C>A on the coding strand, the complement: BARD1 is on the minus strand). VCF-style: chr2-214809527-G-T. GRCh37 (hg19) VCF-style: chr2-215674251-G-T.
Other names: c.43C>A, p.Arg15Ser (NM_001282543.2, NM_001282545.2, NM_001282548.2 and 1 more transcripts); short protein forms R15S.
Identifiers: ClinVar variation 482794 (VCV000482794.19), dbSNP rs1553628470, ClinGen allele CA350465306.